The following is an entry in ClinVar:

NM_147686.4(TRAF3IP2):c.1472G>A (p.Arg491Gln)

Genes: TRAF3IP2 (TRAF3 interacting protein 2; minus strand), TRAF3IP2-AS1 (TRAF3IP2 antisense RNA 1; plus strand). Cytogenetic location: 6q21.
Variant type: single nucleotide variant.
Coding change: c.1472G>A on transcript NM_147686.4 (MANE Select); coding-DNA position 1472, G replaced by A.
Protein change: p.Arg491Gln; replaces arginine 491 with glutamine.
Molecular consequence: missense variant.
Genome position (GRCh38, 1-based): chr6:111,566,448, C>T on the plus strand (G>A on the coding strand, the complement: TRAF3IP2 is on the minus strand). VCF-style: chr6-111566448-C-T. GRCh37 (hg19) VCF-style: chr6-111887651-C-T.
Other names: c.1469G>A, p.Arg490Gln (NM_001164281.3); c.104G>A, p.Arg35Gln (NM_001164283.3); c.1499G>A, p.Arg500Gln (NM_147200.3); short protein forms R500Q, R490Q, R491Q, R35Q.
Identifiers: ClinVar variation 1489682 (VCV001489682.8), dbSNP rs764736740, ClinGen allele CA3963076.

ClinVar aggregate classification (germline): Uncertain significance (1 of 4 stars; one submission).

Conditions:
Candidiasis, familial, 8 (CANDF8). Identifiers: Orphanet 1334, MedGen C3714992, MONDO:0014230, OMIM 615527.

Allele frequency attached by ClinVar (database versions not stated): gnomAD exomes below 0.00001; TOPMed below 0.00001; ExAC 0.00001; gnomAD 0.00001.
gnomAD v4.1: 6 of 1,612,588 alleles (0.00037%); highest among the groups gnomAD compares: East Asian, 0.0022%; no homozygotes.

Submission:

Labcorp Genetics (formerly Invitae), Labcorp
Classification: Uncertain significance for Candidiasis, familial, 8. Last evaluated: 2021-07-06. Review status: criteria provided, single submitter. Criteria: Invitae Variant Classification Sherloc (09022015). Collection method: clinical testing. Allele origin: germline.
Comment: This sequence change replaces arginine with glutamine at codon 491 of the TRAF3IP2 protein (p.Arg491Gln). The arginine residue is moderately conserved and there is a small physicochemical difference between arginine and glutamine. This variant is present in population databases (rs764736740, ExAC 0.006%). This variant has not been reported in the literature in individuals affected with TRAF3IP2-related conditions. Algorithms developed to predict the effect of missense changes on protein structure and function are either unavailable or do not agree on the potential impact of this missense change (SIFT: "Deleterious"; PolyPhen-2: "Probably Damaging"; Align-GVGD: "Class C0"). In summary, the available evidence is currently insufficient to determine the role of this variant in disease. Therefore, it has been classified as a Variant of Uncertain Significance.